The following is an entry in ClinVar:

ClinVar aggregate classification (germline): Benign. Review status: criteria provided, single submitter (1 of 4 stars). 2 submissions from 2 submitters: Benign (1). 1 of the submissions does not count toward it. Last evaluated 2026-01-24.

Conditions:
BLOC1S3-related disorder. Also called: BLOC1S3-related condition.

Allele frequency attached by ClinVar (database versions not stated): TOPMed 0.00001; gnomAD 0.00005; gnomAD exomes 0.00036; ExAC 0.00052.
gnomAD v4.1: 221 of 1,600,750 alleles (0.014%); highest among the groups gnomAD compares: South Asian, 0.23%; 1 homozygote.

Submissions (2):

Labcorp Genetics (formerly Invitae), Labcorp
Classification: Benign. Last evaluated: 2026-01-24. Review status: criteria provided, single submitter. Criteria: Invitae Variant Classification Sherloc (09022015). Collection method: clinical testing. Allele origin: germline.

PreventionGenetics, part of Exact Sciences
Classification: Likely benign for BLOC1S3-related condition. Last evaluated: 2024-09-25. Review status: no assertion criteria provided. Collection method: clinical testing. Allele origin: germline. Not counted in ClinVar's aggregate classification.
Comment: This variant is classified as likely benign based on ACMG/AMP sequence variant interpretation guidelines (Richards et al. 2015 PMID: 25741868, with internal and published modifications).

NM_212550.5(BLOC1S3):c.507G>A (p.Ala169=)

Gene: BLOC1S3 (biogenesis of lysosomal organelles complex 1 subunit 3; plus strand). Cytogenetic location: 19q13.32.
Variant type: single nucleotide variant.
Coding change: c.507G>A on transcript NM_212550.5 (MANE Select); coding-DNA position 507, G replaced by A.
Protein change: p.Ala169=; no amino-acid change (alanine 169 retained).
Molecular consequence: synonymous variant.
Genome position (GRCh38, 1-based): chr19:45,179,803, G>A. VCF-style: chr19-45179803-G-A. GRCh37 (hg19) VCF-style: chr19-45683061-G-A.
Other names: c.507G>A (NM_212550.4).
Identifiers: ClinVar variation 2150699 (VCV002150699.5), dbSNP rs756965386, ClinGen allele CA9510270.
Genomic context (GRCh38, chr19:45,179,803, plus strand): 5'-CCAGGCGGCGGGGCTGGCGGCGGCCCACAGCGTGCGCCTGGCGCGCGGGGACCTTTGTGC[G>A]CTGGCCGAGCGTCTGGACATCGTGGCTGGCTGCCGCCTGCTGCCGGACATCCGCGGCGTG-3'
Protein context (NP_997715.1, residues 159-179): SVRLARGDLC[Ala169=]LAERLDIVAG